The following is an entry in ClinVar:

ClinVar aggregate classification (germline): Conflicting classifications of pathogenicity. Review status: criteria provided, conflicting classifications (1 of 4 stars). 12 submissions from 12 submitters: Pathogenic (1); Likely pathogenic (3); Uncertain significance (5). 3 of the submissions do not count toward it. Last evaluated 2025-09-19.

Conditions:
PKP2-related disorder. Also called: PKP2-related condition.
Cardiovascular phenotype. Identifiers: MedGen CN230736.
Arrhythmogenic right ventricular cardiomyopathy (ARVD). Also called: Arrhythmogenic Right Ventricular Cardiomyopathy (ARVC); Arrhythmogenic cardiomyopathy; Cardiomyopathy, ARVC; Arrhythmogenic right ventricular dysplasia. Identifiers: Orphanet 247, MedGen C0349788, MeSH D019571, MONDO:0016587. Disease mechanism: loss of function. Inheritance: Various modes of inheritance.
Cardiomyopathy (CMYO). Also called: Cardiomyopathies. Identifiers: Orphanet 167848, MedGen C0878544, MONDO:0004994, HP:0001638. Inheritance: Various modes of inheritance.
Arrhythmogenic right ventricular dysplasia 9 (ARVD9). Also called: ARRHYTHMOGENIC RIGHT VENTRICULAR DYSPLASIA, FAMILIAL, 9; Arrhythmogenic Right Ventricular Dysplasia/Cardiomyopathy 9. Identifiers: MedGen C1836906, MONDO:0012180, OMIM 609040.

Submissions (12):

Dasa
Classification: Uncertain significance. Last evaluated: 2025-09-19. Review status: criteria provided, single submitter. Criteria: DASA Assertion Criteria. Collection method: clinical testing. Allele origin: germline.
Comment: NM_004572.4(PKP2):c.1440_1444del (p.Asn480Lysfs*20) is a frameshift variant in PKP2 predicted to alter the reading frame and introduce a premature termination codon. This variant has been reported in individuals with PKP2-related disorders. Also, this variant is rare in population databases. The currently available literature and clinical evidence are not sufficient to establish a definitive association between this variant and the reported condition. Therefore, this variant is classified as a variant of uncertain significance.

Color Diagnostics, LLC DBA Color Health
Classification: Uncertain significance for Cardiomyopathy. Last evaluated: 2025-08-08. Review status: criteria provided, single submitter. Criteria: ACMG Guidelines, 2015. Collection method: clinical testing. Allele origin: germline.
Comment: This variant deletes 5 nucleotides in exon 6 of the PKP2b transcript (NM_004572), creating a frameshift and premature translation stop signal. This exon 6 is alternately spliced out and is absent in the PKP2a transcript, the predominant isoform in the heart (NM_001005242, PMID 21378009). Therefore, it is likely that a functional PKP2 gene product is expressed in the heart, despite the presence of this variant. This variant has been reported in three individuals affected with arrhythmogenic right ventricular cardiomyopathy, including two relatives who carried a pathogenic variant in the DSP gene (PMID: 25157032, 28588093). This variant has been identified in 3/271396 chromosomes in the general population by the Genome Aggregation Database (gnomAD). The available evidence is insufficient to determine the role of this variant in disease conclusively. Therefore, this variant is classified as a Variant of Uncertain Significance.

Blueprint Genetics
Classification: Likely pathogenic for PKP2-related disorders. Last evaluated: 2024-04-25. Review status: criteria provided, single submitter. Criteria: ACMG Guidelines, 2015. Collection method: clinical testing. Allele origin: germline. Affected: yes. Observed: 3 variant alleles.

Ambry Genetics
Classification: Uncertain significance for Cardiovascular phenotype. Last evaluated: 2024-04-10. Review status: criteria provided, single submitter. Criteria: Ambry Variant Classification Scheme 2023. Collection method: clinical testing. Allele origin: germline.
Comment: The c.1440_1444delTCCCA variant, located in coding exon 6 of the PKP2 gene, results from a deletion of 5 nucleotides at nucleotide positions 1440 to 1444, causing a translational frameshift with a predicted alternate stop codon (p.N480Kfs*20). This variant has been detected in individuals with features consistent with arrhythmogenic cardiomyopathy (Orgeron GM et al. J Am Heart Assoc, 2017 Jun;6; Girolami F et al. Front Cardiovasc Med, 2022 Dec;9:1080608). Frameshift alterations are typically deleterious in nature, and loss of PKP2 function is an accepted mechanism of disease. However, pathogenicity has not been established for alterations in exon 6 of PKP2. The exon is alternatively spliced, and the predominant isoform in human cardiac tissue, PKP2A, does not include exon 6 (Gandjbakhch E et al. Heart. 2011;97(10):844-9). Based on the available evidence, the clinical significance of this variant remains unclear.

Baylor Genetics
Classification: Likely pathogenic for Arrhythmogenic right ventricular dysplasia 9. Last evaluated: 2023-02-28. Review status: criteria provided, single submitter. Criteria: ACMG Guidelines, 2015. Collection method: clinical testing. Allele origin: unknown.

All of Us Research Program, National Institutes of Health
Classification: Uncertain significance for Arrhythmogenic right ventricular cardiomyopathy. Last evaluated: 2023-02-15. Review status: criteria provided, single submitter. Criteria: ACMG Guidelines, 2015. Collection method: clinical testing. Allele origin: germline. Inheritance: Autosomal dominant inheritance. Observed: 1 variant allele, 1 heterozygote.
Comment: This variant deletes 5 nucleotides in exon 6 of the PKP2b transcript (ENST00000070846 | NM_004572), creating a frameshift and premature translation stop signal. This exon 6 is alternately spliced out and is absent in the PKP2a transcript, the predominant isoform in the heart (ENST00000340811 | NM_001005242, PMID 21378009). Therefore, it is likely that a functional PKP2 gene product is expressed in the heart, despite the presence of this variant. To our knowledge, functional studies have not been reported for this variant. This variant has been reported in three individuals affected with arrhythmogenic right ventricular cardiomyopathy, including two from the same family who also carried a pathogenic variant in the DSP gene (PMID: 25157032, 28588093). This variant has been identified in 3/271396 chromosomes in the general population by the Genome Aggregation Database (gnomAD). The available evidence is insufficient to determine the role of this variant in disease conclusively. Therefore, this variant is classified as a Variant of Uncertain Significance.

This study involves interpretation of variants in research participants for the purpose of population health screening. Participant phenotype was not available at the time of variant classification. Additional details can be found in publication PMID: 35346344, PMCID: PMC8962531

Labcorp Genetics (formerly Invitae), Labcorp
Classification: Pathogenic for Arrhythmogenic right ventricular dysplasia 9. Last evaluated: 2022-11-01. Review status: criteria provided, single submitter. Criteria: Invitae Variant Classification Sherloc (09022015). Collection method: clinical testing. Allele origin: germline.
Comment: For these reasons, this variant has been classified as Pathogenic. ClinVar contains an entry for this variant (Variation ID: 419977). This premature translational stop signal has been observed in individual(s) with arrhythmogenic right ventricular cardiomyopathy (PMID: 25157032). This variant is present in population databases (rs775995156, gnomAD 0.002%). This sequence change creates a premature translational stop signal (p.Asn480Lysfs*20) in the PKP2 gene. It is expected to result in an absent or disrupted protein product. Loss-of-function variants in PKP2 are known to be pathogenic (PMID: 15489853, 23911551).

Laboratory for Molecular Medicine, Mass General Brigham Personalized Medicine
Classification: Uncertain significance. Last evaluated: 2018-04-13. Review status: criteria provided, single submitter. Criteria: ACMG Guidelines, 2015. Collection method: clinical testing. Allele origin: germline.
Comment: The p.Asn480fs variant in PKP2 has been reported in 2 individuals with ARVC, and segregated with disease in 1 affected family member from one family (Brun 2014). However, both individuals also carried other pathogenic variants in genes that could explain their disease. This variant has also been reported by other clinical laboratories in ClinVar (Variation ID# 419977) and has been identified in 3/123052 European chromosomes by the Genome Aggregation Database (gnomAD; dbSNP rs775995156). This variant is predicted to cause a frameshift, which alters the protein’s amino acid sequence beginning at position 480 and leads to a premature termination codon 20 amino acids downstream. This alteration is then predicted to lead to a truncated or absent protein. While heterozygous loss of function is an established disease mechanism in individuals with ARVC, this variant is located in an exon that is alternatively spliced and is not present in the dominant transcript in the heart (Gandjbakhch 2011). In summary, the clinical significance of the p.Asn480fs variant is uncertain.

GeneDx
Classification: Likely pathogenic. Last evaluated: 2017-07-12. Review status: criteria provided, single submitter. Criteria: GeneDx Variant Classification (06012015). Collection method: clinical testing. Allele origin: germline. Affected: yes.
Comment: This five base pair deletion has been reported previously in the Human Gene Mutation Database and the Arrhythmogenic Right Ventricular Cardiomyopathy database (Stenson et al., 2014; Van et al., 2009). The c.1440_1444delTCCCA variant was not observed in approximately 6,500 individuals of European and African American ancestry in the NHLBI Exome Sequencing Project, indicating it is not a common benign variant in these populations. This variant causes a shift in reading frame starting at codon Asparagine 480, changing it to a Lysine, and creating a premature stop codon at position 20 of the new reading frame, denoted p.Asn480LysfsX20. This variant is expected to result in either an abnormal, truncated protein product or loss of protein from this allele through nonsense-mediated mRNA decay. Other frameshift variants in the PKP2 gene have been reported in HGMD in association with ARVC (Stenson et al., 2014).

PreventionGenetics, part of Exact Sciences
Classification: Uncertain significance for PKP2-related condition. Last evaluated: 2024-09-11. Review status: no assertion criteria provided. Collection method: clinical testing. Allele origin: germline. Not counted in ClinVar's aggregate classification.
Comment: The PKP2 c.1440_1444del5 variant is predicted to result in a frameshift and premature protein termination (p.Asn480Lysfs*20). This variant was reported in individuals with arrhythmogenic right ventricular cardiomyopathy (Brun et al. 2014. PubMed ID: 25157032; Table S2, Orgeron et al. 2017. PubMed ID: 28588093; Supplementary table 2, van Lint et al. 2019. PubMed ID: 31386562 ). This variant is reported in 0.0024% of alleles in individuals of European (Non-Finnish) descent in gnomAD. While loss-of-function is an established mechanism for PKP2-assoicated arrhythmogenic right ventricular dysplasia, this variant occurs in an exon which is alternately spliced out and is absent in the isoform that is predominantly expressed in the human heart tissues (referred to as c.1379-2047_1379-2043del5 in the predominantly expressed transcript NM_001005242; Gandjbakhch et al. 2011. PubMed ID: 21378009). Additional evidence is needed to further evaluate loss-of-function variants located in this alternate exon 6. Although we suspect that this variant may be pathogenic, at this time, the clinical significance of this variant is uncertain due to the absence of conclusive functional and genetic evidence.

Cardiology unit, Meyer University Hospital
Classification: Likely pathogenic for Arrhythmogenic right ventricular dysplasia 9. Last evaluated: 2022-09-27. Review status: no assertion criteria provided. Collection method: clinical testing. Allele origin: germline. Affected: yes. Not counted in ClinVar's aggregate classification.

Gharavi Laboratory, Columbia University
Classification: Pathogenic. Last evaluated: 2018-09-16. Review status: no assertion criteria provided. Criteria: ACMG Guidelines, 2015. Collection method: research. Allele origin: germline. Affected: yes. Not counted in ClinVar's aggregate classification.

Literature cited by the submitters: PubMed 25157032 (cited by 4 submitters); PubMed 28588093 (cited by 3 submitters); PubMed 36588553 (cited by Ambry Genetics); PubMed 15489853 (cited by Labcorp Genetics (formerly Invitae), Labcorp); PubMed 23911551 (cited by Labcorp Genetics (formerly Invitae), Labcorp); PubMed 21378009 (cited by Laboratory for Molecular Medicine, Mass General Brigham Personalized Medicine).

NM_001005242.3(PKP2):c.1379-2047_1379-2043del

Gene: PKP2 (plakophilin 2; minus strand). Cytogenetic location: 12p11.21.
Variant type: Deletion.
Coding change: c.1379-2047_1379-2043del on transcript NM_001005242.3 (MANE Select); 2047 bases into the intron before coding-DNA position 1379 through 2043 bases into the intron before coding-DNA position 1379, 5 bases deleted (TCCCA; older notation c.1379-2047_1379-2043delTCCCA).
Molecular consequence: intron variant. On other transcripts: frameshift variant (1).
Genome position (GRCh38, 1-based): chr12:32,843,248-32,843,252, TGGGA deleted on the plus strand (TCCCA on the coding strand, the reverse complement: PKP2 is on the minus strand); deleting any 5 consecutive bases within chr12:32,843,248-32,843,253 gives the same sequence; the c. name uses the placement nearest the transcript's 3' end. VCF-style (leftmost placement, unchanged base first): chr12-32843247-CTGGGA-C. GRCh37 (hg19) VCF-style: chr12-32996181-CTGGGA-C.
Other names: c.1440_1444del, p.Asn480fs (NM_004572.4); c.1440_1444delTCCCA (NM_004572.3); c.1440_1444del5 (NM_004572.3); short protein forms N480fs.
Identifiers: ClinVar variation 419977 (VCV000419977.20), dbSNP rs775995156, ClinGen allele CA028319.